The following is an entry in ClinVar:

NM_173630.4(RTTN):c.487+4T>A

Gene: RTTN (rotatin; minus strand). Cytogenetic location: 18q22.2.
Variant type: single nucleotide variant.
Coding change: c.487+4T>A on transcript NM_173630.4 (MANE Select); 4 bases into the intron after coding-DNA position 487, T replaced by A.
Molecular consequence: intron variant.
Genome position (GRCh38, 1-based): chr18:70,201,890, A>T on the plus strand (T>A on the coding strand, the complement: RTTN is on the minus strand). VCF-style: chr18-70201890-A-T. GRCh37 (hg19) VCF-style: chr18-67869126-A-T.
Other names: c.-2067+4T>A (NM_001318520.2).
Identifiers: ClinVar variation 2022191 (VCV002022191.4), dbSNP rs2513072568, ClinGen allele CA2580096004.

ClinVar aggregate classification (germline): Uncertain significance (1 of 4 stars; one submission).

Submission:

Labcorp Genetics (formerly Invitae), Labcorp
Classification: Uncertain significance. Last evaluated: 2022-08-21. Review status: criteria provided, single submitter. Criteria: Invitae Variant Classification Sherloc (09022015). Collection method: clinical testing. Allele origin: germline.
Comment: This variant has not been reported in the literature in individuals affected with RTTN-related conditions. In summary, the available evidence is currently insufficient to determine the role of this variant in disease. Therefore, it has been classified as a Variant of Uncertain Significance. Variants that disrupt the consensus splice site are a relatively common cause of aberrant splicing (PMID: 17576681, 9536098). Algorithms developed to predict the effect of sequence changes on RNA splicing suggest that this variant is not likely to affect RNA splicing. This variant is not present in population databases (gnomAD no frequency). This sequence change falls in intron 4 of the RTTN gene. It does not directly change the encoded amino acid sequence of the RTTN protein. It affects a nucleotide within the consensus splice site.

Literature cited by the submitters: PubMed 17576681; PubMed 9536098.